The following is an entry in ClinVar:

ClinVar aggregate classification (germline): Uncertain significance (1 of 4 stars; one submission).

Conditions:
Amyotrophic lateral sclerosis type 15. Also called: AMYOTROPHIC LATERAL SCLEROSIS 15 WITH FRONTOTEMPORAL DEMENTIA. Identifiers: Orphanet 803, MedGen C3275459, MONDO:0010459, OMIM 300857.

Submission:

Labcorp Genetics (formerly Invitae), Labcorp
Classification: Uncertain significance for Amyotrophic lateral sclerosis type 15. Last evaluated: 2021-12-10. Review status: criteria provided, single submitter. Criteria: Invitae Variant Classification Sherloc (09022015). Collection method: clinical testing. Allele origin: germline.
Comment: In summary, the available evidence is currently insufficient to determine the role of this variant in disease. Therefore, it has been classified as a Variant of Uncertain Significance. Algorithms developed to predict the effect of missense changes on protein structure and function are either unavailable or do not agree on the potential impact of this missense change (SIFT: "Not Available"; PolyPhen-2: "Possibly Damaging"; Align-GVGD: "Not Available"). This variant has not been reported in the literature in individuals affected with UBQLN2-related conditions. This variant is not present in population databases (gnomAD no frequency). This sequence change replaces arginine, which is basic and polar, with glutamine, which is neutral and polar, at codon 107 of the UBQLN2 protein (p.Arg107Gln).

NM_013444.4(UBQLN2):c.320G>A (p.Arg107Gln)

Gene: UBQLN2 (ubiquilin 2; plus strand). Cytogenetic location: Xp11.21.
Variant type: single nucleotide variant.
Coding change: c.320G>A on transcript NM_013444.4 (MANE Select); coding-DNA position 320, G replaced by A.
Protein change: p.Arg107Gln; replaces arginine 107 with glutamine.
Molecular consequence: missense variant.
Genome position (GRCh38, 1-based): chrX:56,564,193, G>A. VCF-style: chrX-56564193-G-A. GRCh37 (hg19) VCF-style: chrX-56590626-G-A.
Other names: short protein forms R107Q.
Identifiers: ClinVar variation 1507448 (VCV001507448.6), dbSNP rs1602589042, ClinGen allele CA413378071.